The following is an entry in ClinVar:

NM_002181.4(IHH):c.820G>A (p.Ala274Thr)

Gene: IHH (Indian hedgehog signaling molecule; minus strand). Cytogenetic location: 2q35.
Variant type: single nucleotide variant.
Coding change: c.820G>A on transcript NM_002181.4 (MANE Select); coding-DNA position 820, G replaced by A.
Protein change: p.Ala274Thr; replaces alanine 274 with threonine.
Molecular consequence: missense variant.
Genome position (GRCh38, 1-based): chr2:219,055,623, C>T on the plus strand (G>A on the coding strand, the complement: IHH is on the minus strand). VCF-style: chr2-219055623-C-T. GRCh37 (hg19) VCF-style: chr2-219920345-C-T.
Other names: c.820G>A (NM_002181.3); short protein forms A274T.
Identifiers: ClinVar variation 1982447 (VCV001982447.7), dbSNP rs148349850, ClinGen allele CA2116594.

ClinVar aggregate classification (germline): Uncertain significance. Review status: criteria provided, multiple submitters, no conflicts (2 of 4 stars). 2 submissions from 2 submitters: Uncertain significance (2). Last evaluated 2025-10-01.

Conditions:
Inborn genetic diseases. Identifiers: MedGen C0950123, MeSH D030342.

Allele frequency attached by ClinVar (database versions not stated): ExAC 0.00003; TOPMed 0.00007; gnomAD 0.00008; ESP Exome Variant Server 0.00015.

Submissions (2):

Labcorp Genetics (formerly Invitae), Labcorp
Classification: Uncertain significance. Last evaluated: 2025-10-01. Review status: criteria provided, single submitter. Criteria: Invitae Variant Classification Sherloc (09022015). Collection method: clinical testing. Allele origin: germline.
Comment: This sequence change replaces alanine, which is neutral and non-polar, with threonine, which is neutral and polar, at codon 274 of the IHH protein (p.Ala274Thr). This variant is present in population databases (rs148349850, gnomAD 0.01%). This variant has not been reported in the literature in individuals affected with IHH-related conditions. ClinVar contains an entry for this variant (Variation ID: 1982447). Invitae Evidence Modeling of protein sequence and biophysical properties (such as structural, functional, and spatial information, amino acid conservation, physicochemical variation, residue mobility, and thermodynamic stability) indicates that this missense variant is not expected to disrupt IHH protein function with a negative predictive value of 80%. In summary, the available evidence is currently insufficient to determine the role of this variant in disease. Therefore, it has been classified as a Variant of Uncertain Significance.

Ambry Genetics
Classification: Uncertain significance for Inborn genetic diseases. Last evaluated: 2025-04-09. Review status: criteria provided, single submitter. Criteria: Ambry Variant Classification Scheme 2023. Collection method: clinical testing. Allele origin: germline.